The following is an entry in ClinVar:

ClinVar aggregate classification (germline): Pathogenic (1 of 4 stars; one submission).

Conditions:
Bardet-Biedl syndrome (BBS). Identifiers: Orphanet 110, MedGen C0752166, MONDO:0015229.

Submission:

Labcorp Genetics (formerly Invitae), Labcorp
Classification: Pathogenic for Bardet-Biedl syndrome. Last evaluated: 2022-07-01. Review status: criteria provided, single submitter. Criteria: Invitae Variant Classification Sherloc (09022015). Collection method: clinical testing. Allele origin: germline.
Comment: This sequence change creates a premature translational stop signal (p.Val465Glyfs*19) in the BBS12 gene. While this is not anticipated to result in nonsense mediated decay, it is expected to disrupt the last 246 amino acid(s) of the BBS12 protein. For these reasons, this variant has been classified as Pathogenic. This variant disrupts a region of the BBS12 protein in which other variant(s) (p.Arg675*) have been determined to be pathogenic (PMID: 20827784, 21642631). This suggests that this is a clinically significant region of the protein, and that variants that disrupt it are likely to be disease-causing. This variant has not been reported in the literature in individuals affected with BBS12-related conditions. This variant is not present in population databases (gnomAD no frequency).

Literature cited by the submitters: PubMed 20827784; PubMed 21642631.

NM_152618.3(BBS12):c.1394_1395del (p.Val465fs)

Gene: BBS12 (Bardet-Biedl syndrome 12; plus strand). Cytogenetic location: 4q27.
Variant type: Microsatellite.
Coding change: c.1394_1395del on transcript NM_152618.3 (MANE Select); coding-DNA positions 1394 to 1395, 2 bases deleted (TG; older notation c.1394_1395delTG).
Protein change: p.Val465fs; shifts the reading frame from valine 465.
Molecular consequence: frameshift variant.
Genome position (GRCh38, 1-based): chr4:122,743,286-122,743,287, TG deleted; deleting any 2 consecutive bases within chr4:122,743,282-122,743,287 gives the same sequence; the c. name uses the placement nearest the transcript's 3' end. VCF-style (leftmost placement, unchanged base first): chr4-122743281-TTG-T. GRCh37 (hg19) VCF-style: chr4-123664436-TTG-T.
Other names: c.1394_1395del, p.Val465fs (NM_001178007.2); short protein forms V465fs.
Identifiers: ClinVar variation 1419351 (VCV001419351.8), dbSNP rs2150737232, ClinGen allele CA2580616767.